The following is an entry in ClinVar:

NM_014159.7(SETD2):c.3199C>T (p.Gln1067Ter)

Gene: SETD2 (SET domain containing 2, histone lysine methyltransferase; minus strand). Cytogenetic location: 3p21.31.
Variant type: single nucleotide variant.
Coding change: c.3199C>T on transcript NM_014159.7 (MANE Select); coding-DNA position 3199, C replaced by T.
Protein change: p.Gln1067Ter; replaces glutamine 1067 with a stop codon.
Molecular consequence: nonsense. On other transcripts: non-coding transcript variant (1).
Genome position (GRCh38, 1-based): chr3:47,121,437, G>A on the plus strand (C>T on the coding strand, the complement: SETD2 is on the minus strand). VCF-style: chr3-47121437-G-A. GRCh37 (hg19) VCF-style: chr3-47162927-G-A.
Other names: c.3067C>T, p.Gln1023Ter (NM_001349370.3); short protein forms Q1023*, Q1067*.
Identifiers: ClinVar variation 3160637 (VCV003160637.1), dbSNP rs2545626859, ClinGen allele CA352523375.
Genomic context (GRCh38, chr3:47,121,437, plus strand): 5'-AACAAGGACTTGTTTCTTCCATGGGCAAAGTAGAATTCTTTGGCACAACCACAACAGACT[G>A]GAGACGGTTTCTTGGAATACTGCTATCATCCGAATCTGTATCTTCTGAATCACTTTCATC-3'

ClinVar aggregate classification (germline): Pathogenic (1 of 4 stars; one submission).

Conditions:
Inborn genetic diseases. Identifiers: MedGen C0950123, MeSH D030342.

Submission:

Ambry Genetics
Classification: Pathogenic for Inborn genetic diseases. Last evaluated: 2023-09-26. Review status: criteria provided, single submitter. Criteria: Ambry Variant Classification Scheme 2023. Collection method: clinical testing. Allele origin: germline.
Comment: The c.3199C>T (p.Q1067*) alteration, located in exon 3 (coding exon 3) of the SETD2 gene, consists of a C to T substitution at nucleotide position 3199. This changes the amino acid from a glutamine (Q) to a stop codon at amino acid position 1067. This alteration is expected to result in loss of function by premature protein truncation or nonsense-mediated mRNA decay._x000D_ _x000D_ for Luscan-Lumish syndrome; however, its clinical significance for SETD2-related multiple congenital anomalies syndrome is uncertain. This variant was not reported in population-based cohorts in the Genome Aggregation Database (gnomAD). Based on the available evidence, this alteration is classified as pathogenic.